The following is an entry in ClinVar:

ClinVar aggregate classification (germline): Uncertain significance (1 of 4 stars; one submission).

Conditions:
Charcot-Marie-Tooth disease type 2. Also called: Charcot-Marie-Tooth type 2. Identifiers: Orphanet 64746, MedGen C0270914, MONDO:0018993.

Submission:

Labcorp Genetics (formerly Invitae), Labcorp
Classification: Uncertain significance for Charcot-Marie-Tooth disease type 2. Last evaluated: 2020-09-24. Review status: criteria provided, single submitter. Criteria: Invitae Variant Classification Sherloc (09022015). Collection method: clinical testing. Allele origin: germline.
Comment: In summary, the available evidence is currently insufficient to determine the role of this variant in disease. Therefore, it has been classified as a Variant of Uncertain Significance. Algorithms developed to predict the effect of missense changes on protein structure and function (SIFT, PolyPhen-2, Align-GVGD) all suggest that this variant is likely to be disruptive, but these predictions have not been confirmed by published functional studies and their clinical significance is uncertain. This variant has not been reported in the literature in individuals with KIF1B-related conditions. This variant is not present in population databases (ExAC no frequency). This sequence change replaces isoleucine with threonine at codon 244 of the KIF1B protein (p.Ile244Thr). The isoleucine residue is highly conserved and there is a moderate physicochemical difference between isoleucine and threonine.

NM_001365951.3(KIF1B):c.731T>C (p.Ile244Thr)

Gene: KIF1B (kinesin family member 1B; plus strand). Cytogenetic location: 1p36.22.
Variant type: single nucleotide variant.
Coding change: c.731T>C on transcript NM_001365951.3 (MANE Select); coding-DNA position 731, T replaced by C.
Protein change: p.Ile244Thr; replaces isoleucine 244 with threonine.
Molecular consequence: missense variant.
Genome position (GRCh38, 1-based): chr1:10,271,512, T>C. VCF-style: chr1-10271512-T-C. GRCh37 (hg19) VCF-style: chr1-10331570-T-C.
Other names: c.731T>C, p.Ile244Thr (NM_001365952.1, NM_001365953.1, NM_015074.3 and 1 more transcripts); short protein forms I244T.
Identifiers: ClinVar variation 1059918 (VCV001059918.9), dbSNP rs2102213204, ClinGen allele CA338331334.
Genomic context (GRCh38, chr1:10,271,512, plus strand): 5'-TTCTATCTTGCTTATTTTTGAATTGCCCCCATGTTATTGTTCTTTATCAGGTCAGTAAAA[T>C]CAGCTTGGTGGATCTAGCAGGAAGTGAACGAGCTGATTCAACTGGTGCCAAAGGGACTCG-3'
Protein context (NP_001352880.1, residues 234-254): TNLSTEKVSK[Ile244Thr]SLVDLAGSER